The following is an entry in ClinVar:

NM_015425.6(POLR1A):c.1961T>C (p.Met654Thr)

Gene: POLR1A (RNA polymerase I subunit A; minus strand). Cytogenetic location: 2p11.2.
Variant type: single nucleotide variant.
Coding change: c.1961T>C on transcript NM_015425.6 (MANE Select); coding-DNA position 1961, T replaced by C.
Protein change: p.Met654Thr; replaces methionine 654 with threonine.
Molecular consequence: missense variant.
Genome position (GRCh38, 1-based): chr2:86,065,371, A>G on the plus strand (T>C on the coding strand, the complement: POLR1A is on the minus strand). VCF-style: chr2-86065371-A-G. GRCh37 (hg19) VCF-style: chr2-86292494-A-G.
Other names: short protein forms M654T.
Identifiers: ClinVar variation 2864593 (VCV002864593.3), dbSNP rs773070269, ClinGen allele CA1746205.

ClinVar aggregate classification (germline): Uncertain significance (1 of 4 stars; one submission).

Allele frequency attached by ClinVar (database versions not stated): ExAC 0.00001.

Submission:

Labcorp Genetics (formerly Invitae), Labcorp
Classification: Uncertain significance. Last evaluated: 2023-08-06. Review status: criteria provided, single submitter. Criteria: Invitae Variant Classification Sherloc (09022015). Collection method: clinical testing. Allele origin: germline.
Comment: This sequence change replaces methionine, which is neutral and non-polar, with threonine, which is neutral and polar, at codon 654 of the POLR1A protein (p.Met654Thr). This variant is not present in population databases (gnomAD no frequency). This variant has not been reported in the literature in individuals affected with POLR1A-related conditions. Advanced modeling of protein sequence and biophysical properties (such as structural, functional, and spatial information, amino acid conservation, physicochemical variation, residue mobility, and thermodynamic stability) performed at Invitae indicates that this missense variant is not expected to disrupt POLR1A protein function. In summary, the available evidence is currently insufficient to determine the role of this variant in disease. Therefore, it has been classified as a Variant of Uncertain Significance.